The following is an entry in ClinVar:

ClinVar aggregate classification (germline): Likely benign. Review status: criteria provided, multiple submitters, no conflicts (2 of 4 stars). 3 submissions from 3 submitters: Likely benign (2). 1 of the submissions does not count toward it. Last evaluated 2025-07-18.

Conditions:
HK1-related disorder. Also called: HK1-related disorders; HK1-related condition.

Allele frequency attached by ClinVar (database versions not stated): gnomAD 0.00228 and 0.00232; gnomAD exomes 0.00240 and 0.00532; 1000 Genomes Project 30x 0.00344; ExAC 0.00142; 1000 Genomes Project 0.00280; TOPMed 0.00432.

Submissions (3):

ARUP Laboratories, Molecular Genetics and Genomics, ARUP Laboratories
Classification: Likely benign. Last evaluated: 2025-07-18. Review status: criteria provided, single submitter. Criteria: ARUP Molecular Germline Variant Investigation Process 2024. Collection method: clinical testing. Allele origin: germline.

Breakthrough Genomics
Classification: Likely benign. Review status: criteria provided, single submitter. Criteria: ACMG Guidelines, 2015. Collection method: not provided. Allele origin: germline. Inheritance: Autosomal recessive inheritance. Affected: yes.

PreventionGenetics, part of Exact Sciences
Classification: Benign for HK1-related condition. Last evaluated: 2019-03-18. Review status: no assertion criteria provided. Collection method: clinical testing. Allele origin: germline. Not counted in ClinVar's aggregate classification.
Comment: This variant is classified as benign based on ACMG/AMP sequence variant interpretation guidelines (Richards et al. 2015 PMID: 25741868, with internal and published modifications).

NM_001358263.1(HK1):c.28-3347T>A

Gene: HK1 (hexokinase 1; plus strand). Cytogenetic location: 10q22.1.
Variant type: single nucleotide variant.
Coding change: c.28-3347T>A on transcript NM_001358263.1 (MANE Plus Clinical); 3347 bases into the intron before coding-DNA position 28, T replaced by A.
Molecular consequence: intron variant. On other transcripts: missense variant (1).
Genome position (GRCh38, 1-based): chr10:69,292,286, T>A. VCF-style: chr10-69292286-T-A. GRCh37 (hg19) VCF-style: chr10-71052042-T-A.
Other names: c.56T>A, p.Leu19Gln (NM_001322365.2); c.-114-3347T>A (NM_033500.2); c.28-3347T>A (NM_033498.3, NM_033497.3, NM_001322364.2); short protein forms L19Q.
Identifiers: ClinVar variation 811050 (VCV000811050.18), dbSNP rs186567171, ClinGen allele CA5532077.
Genomic context (GRCh38, chr10:69,292,286, plus strand): 5'-ACAACCAGCCAGTTTTTAATTTTTTTTTGTAGAGACAGGGTCTTGCTATGTTGCCCAGGC[T>A]GTTCTTAAATCCCTGGCGTCAAGTGATCCTCCTGCCTCAGCCTCCTAAAGTGCTGGGATT-3'